The following is an entry in ClinVar:

ClinVar aggregate classification (germline): Benign/Likely benign. Review status: criteria provided, multiple submitters, no conflicts (2 of 4 stars). 5 submissions from 5 submitters: Benign (1); Likely benign (2). 2 of the submissions do not count toward it. Last evaluated 2025-12-02.

Conditions:
ATRX-related disorder. Also called: ATRX-related condition.
Inborn genetic diseases. Identifiers: MedGen C0950123, MeSH D030342.
Alpha thalassemia-X-linked intellectual disability syndrome (ATRX). Also called: ATR-X syndrome; Alpha thalassemia mental retardation syndrome, nondeletion type, X-linked; XLMR hypotonic face syndrome; ALPHA-THALASSEMIA/MENTAL RETARDATION SYNDROME, X-LINKED; ATR, NONDELETION TYPE; X-linked alpha-thalassemia-mental retardation syndrome. Identifiers: Orphanet 847, MedGen C1845055, MONDO:0010519, OMIM 301040.

Allele frequency attached by ClinVar (database versions not stated): gnomAD exomes 0.00008 and 0.00005; ExAC 0.00003; gnomAD 0.00005 and 0.00004; TOPMed 0.00005; 1000 Genomes Project 30x 0.00021.

Submissions (5):

Labcorp Genetics (formerly Invitae), Labcorp
Classification: Benign for Alpha thalassemia-X-linked intellectual disability syndrome. Last evaluated: 2025-12-02. Review status: criteria provided, single submitter. Criteria: Invitae Variant Classification Sherloc (09022015). Collection method: clinical testing. Allele origin: germline.

GeneDx
Classification: Likely benign. Last evaluated: 2021-06-19. Review status: criteria provided, single submitter. Criteria: GeneDx Variant Classification Process June 2021. Collection method: clinical testing. Allele origin: germline. Affected: yes.

Ambry Genetics
Classification: Likely benign for Inborn genetic diseases. Last evaluated: 2014-11-24. Review status: criteria provided, single submitter. Criteria: Ambry Variant Classification Scheme 2023. Collection method: clinical testing. Allele origin: germline.

Natera, Inc.
Classification: Likely benign for X-linked alpha-thalassemia-mental retardation syndrome. Last evaluated: 2020-12-17. Review status: no assertion criteria provided. Collection method: clinical testing. Allele origin: germline. Not counted in ClinVar's aggregate classification.

PreventionGenetics, part of Exact Sciences
Classification: Likely benign for ATRX-related condition. Last evaluated: 2019-06-25. Review status: no assertion criteria provided. Collection method: clinical testing. Allele origin: germline. Not counted in ClinVar's aggregate classification.
Comment: This variant is classified as likely benign based on ACMG/AMP sequence variant interpretation guidelines (Richards et al. 2015 PMID: 25741868, with internal and published modifications).

NM_000489.6(ATRX):c.1047C>G (p.Pro349=)

Gene: ATRX (ATRX chromatin remodeler; minus strand). Cytogenetic location: Xq21.1.
Variant type: single nucleotide variant.
Coding change: c.1047C>G on transcript NM_000489.6 (MANE Select); coding-DNA position 1047, C replaced by G.
Protein change: p.Pro349=; no amino-acid change (proline 349 retained).
Molecular consequence: synonymous variant.
Genome position (GRCh38, 1-based): chrX:77,684,209, G>C on the plus strand (C>G on the coding strand, the complement: ATRX is on the minus strand). VCF-style: chrX-77684209-G-C. GRCh37 (hg19) VCF-style: chrX-76939701-G-C.
Other names: c.933C>G, p.Pro311= (NM_138270.5).
Identifiers: ClinVar variation 697274 (VCV000697274.22), dbSNP rs200288042, ClinGen allele CA10458239.